The following is an entry in ClinVar:

NM_018052.5(VAC14):c.1208T>C (p.Val403Ala)

Genes: VAC14 (VAC14 component of PIKFYVE complex; minus strand), VAC14-AS1 (VAC14 antisense RNA 1; plus strand). Cytogenetic location: 16q22.1.
Variant type: single nucleotide variant.
Coding change: c.1208T>C on transcript NM_018052.5 (MANE Select); coding-DNA position 1208, T replaced by C.
Protein change: p.Val403Ala; replaces valine 403 with alanine.
Molecular consequence: missense variant.
Genome position (GRCh38, 1-based): chr16:70,762,978, A>G on the plus strand (T>C on the coding strand, the complement: VAC14 is on the minus strand). VCF-style: chr16-70762978-A-G. GRCh37 (hg19) VCF-style: chr16-70796881-A-G.
Other names: c.506T>C, p.Val169Ala (NM_001351157.2); short protein forms V403A, V169A.
Identifiers: ClinVar variation 2112916 (VCV002112916.4), dbSNP rs2507658798, ClinGen allele CA396601948.
Genomic context (GRCh38, chr16:70,762,978, plus strand): 5'-TTGAGAACTGCAATCCTGGTCATCATCCCAATGGCCGTGTCACTGAGGTGGCAGTTTAGG[A>G]CCTGCACGATCCCGTCGAGGTGAAGGGTCACTGGGGCTCTTTCAGTGCTGTGGGTAAGAT-3'
Protein context (NP_060522.3, residues 393-413): VTLHLDGIVQ[Val403Ala]LNCHLSDTAI

ClinVar aggregate classification (germline): Uncertain significance (1 of 4 stars; one submission).

Submission:

Labcorp Genetics (formerly Invitae), Labcorp
Classification: Uncertain significance. Last evaluated: 2022-03-16. Review status: criteria provided, single submitter. Criteria: Invitae Variant Classification Sherloc (09022015). Collection method: clinical testing. Allele origin: germline.
Comment: In summary, the available evidence is currently insufficient to determine the role of this variant in disease. Therefore, it has been classified as a Variant of Uncertain Significance. Algorithms developed to predict the effect of missense changes on protein structure and function are either unavailable or do not agree on the potential impact of this missense change (SIFT: "Tolerated"; PolyPhen-2: "Probably Damaging"; Align-GVGD: "Class C0"). This variant has not been reported in the literature in individuals affected with VAC14-related conditions. This variant is not present in population databases (gnomAD no frequency). This sequence change replaces valine, which is neutral and non-polar, with alanine, which is neutral and non-polar, at codon 403 of the VAC14 protein (p.Val403Ala).